The following is an entry in ClinVar:

ClinVar aggregate classification (germline): Uncertain significance (1 of 4 stars; one submission).

Conditions:
Brugada syndrome. Also called: Sudden unexpected nocturnal death syndrome; Sudden unexplained nocturnal death syndrome; Sudden Unexplained Death Syndrome; Sudden Unexplained Nocturnal Death Syndrome (SUNDS). Identifiers: Orphanet 130, MedGen C1142166, MONDO:0015263.

Submission:

Labcorp Genetics (formerly Invitae), Labcorp
Classification: Uncertain significance for Brugada syndrome. Last evaluated: 2025-10-02. Review status: criteria provided, single submitter. Criteria: Invitae Variant Classification Sherloc (09022015). Collection method: clinical testing. Allele origin: germline.
Comment: This sequence change replaces lysine, which is basic and polar, with methionine, which is neutral and non-polar, at codon 1453 of the SCN10A protein (p.Lys1453Met). This variant is not present in population databases (gnomAD no frequency). This variant has not been reported in the literature in individuals affected with SCN10A-related conditions. Invitae Evidence Modeling of protein sequence and biophysical properties (such as structural, functional, and spatial information, amino acid conservation, physicochemical variation, residue mobility, and thermodynamic stability) indicates that this missense variant is expected to disrupt SCN10A protein function with a positive predictive value of 80%. In summary, the available evidence is currently insufficient to determine the role of this variant in disease. Therefore, it has been classified as a Variant of Uncertain Significance.

NM_006514.4(SCN10A):c.4358A>T (p.Lys1453Met)

Gene: SCN10A (sodium voltage-gated channel alpha subunit 10; minus strand). Cytogenetic location: 3p22.2.
Variant type: single nucleotide variant.
Coding change: c.4358A>T on transcript NM_006514.4 (MANE Select); coding-DNA position 4358, A replaced by T.
Protein change: p.Lys1453Met; replaces lysine 1453 with methionine.
Molecular consequence: missense variant.
Genome position (GRCh38, 1-based): chr3:38,707,307, T>A on the plus strand (A>T on the coding strand, the complement: SCN10A is on the minus strand). VCF-style: chr3-38707307-T-A. GRCh37 (hg19) VCF-style: chr3-38748798-T-A.
Other names: c.4355A>T, p.Lys1452Met (NM_001293306.2); c.4064A>T, p.Lys1355Met (NM_001293307.2); short protein forms K1355M, K1453M, K1452M.
Identifiers: ClinVar variation 4715046 (VCV004715046.1).